The following is an entry in ClinVar:

ClinVar aggregate classification (germline): Benign. Review status: criteria provided, multiple submitters, no conflicts (2 of 4 stars). 2 submissions from 2 submitters: Benign (2). Last evaluated 2018-01-13.

Conditions:
Gaze palsy, familial horizontal, with progressive scoliosis 1 (HGPPS1). Identifiers: Orphanet 2744, MedGen C4551964, MONDO:0020790, OMIM 607313.

Allele frequency attached by ClinVar (database versions not stated): 1000 Genomes Project 30x 0.01718; 1000 Genomes Project 0.01937; TOPMed 0.03098; gnomAD 0.03162 and 0.03178; ESP Exome Variant Server 0.03654; ExAC 0.03816; gnomAD exomes 0.03871 and 0.04472.
gnomAD v4.1: 70,297 of 1,613,878 alleles (4.4%); highest among the groups gnomAD compares: Middle Eastern, 5.1%; 1,776 homozygotes.

Submissions (2):

Illumina Laboratory Services, Illumina
Classification: Benign for Gaze palsy, familial horizontal, with progressive scoliosis 1. Last evaluated: 2018-01-13. Review status: criteria provided, single submitter. Criteria: ICSL Variant Classification Criteria 13 December 2019. Collection method: clinical testing. Allele origin: germline.
Comment: This variant was observed in the ICSL laboratory as part of a predisposition screen in an ostensibly healthy population. It had not been previously curated by ICSL or reported in the Human Gene Mutation Database (HGMD: prior to June 1st, 2018), and was therefore a candidate for classification through an automated scoring system. Utilizing variant allele frequency, disease prevalence and penetrance estimates, and inheritance mode, an automated score was calculated to assess if this variant is too frequent to cause the disease. Based on the score and internal cut-off values, a variant classified as benign is not then subjected to further curation. The score for this variant resulted in a classification of benign for this disease.

Breakthrough Genomics
Classification: Benign. Review status: criteria provided, single submitter. Criteria: ACMG Guidelines, 2015. Collection method: not provided. Allele origin: germline. Inheritance: Autosomal recessive inheritance. Affected: yes.

NM_022370.4(ROBO3):c.1267G>A (p.Val423Met)

Gene: ROBO3 (roundabout guidance receptor 3; plus strand). Cytogenetic location: 11q24.2.
Variant type: single nucleotide variant.
Coding change: c.1267G>A on transcript NM_022370.4 (MANE Select); coding-DNA position 1267, G replaced by A.
Protein change: p.Val423Met; replaces valine 423 with methionine.
Molecular consequence: missense variant.
Genome position (GRCh38, 1-based): chr11:124,872,489, G>A. VCF-style: chr11-124872489-G-A. GRCh37 (hg19) VCF-style: chr11-124742385-G-A.
Other names: short protein forms V423M.
Identifiers: ClinVar variation 303236 (VCV000303236.6), dbSNP rs4935898, ClinGen allele CA6343449.